The following is an entry in ClinVar:

ClinVar aggregate classification (germline): Uncertain significance (1 of 4 stars; one submission).

Conditions:
Epilepsy. Also called: Seizure disorder. Identifiers: MedGen C0014544, MeSH D004827, MONDO:0005027.

Allele frequency attached by ClinVar (database versions not stated): gnomAD exomes 0.00001 and 0.00002; ExAC 0.00002; TOPMed 0.00002; gnomAD 0.00003; 1000 Genomes Project 30x 0.00016; 1000 Genomes Project 0.00020.

Submission:

Labcorp Genetics (formerly Invitae), Labcorp
Classification: Uncertain significance for Epilepsy. Last evaluated: 2024-10-29. Review status: criteria provided, single submitter. Criteria: Invitae Variant Classification Sherloc (09022015). Collection method: clinical testing. Allele origin: germline.
Comment: This sequence change replaces arginine, which is basic and polar, with cysteine, which is neutral and slightly polar, at codon 150 of the PIGQ protein (p.Arg150Cys). The frequency data for this variant in the population databases is considered unreliable, as metrics indicate poor data quality at this position in the gnomAD database. This variant has not been reported in the literature in individuals affected with PIGQ-related conditions. ClinVar contains an entry for this variant (Variation ID: 1465735). An algorithm developed to predict the effect of missense changes on protein structure and function outputs the following: PolyPhen-2: "Benign". The cysteine amino acid residue is found in multiple mammalian species, which suggests that this missense change does not adversely affect protein function. In summary, the available evidence is currently insufficient to determine the role of this variant in disease. Therefore, it has been classified as a Variant of Uncertain Significance.

NM_004204.5(PIGQ):c.448C>T (p.Arg150Cys)

Gene: PIGQ (phosphatidylinositol glycan anchor biosynthesis class Q; plus strand). Cytogenetic location: 16p13.3.
Variant type: single nucleotide variant.
Coding change: c.448C>T on transcript NM_004204.5 (MANE Select); coding-DNA position 448, C replaced by T.
Protein change: p.Arg150Cys; replaces arginine 150 with cysteine.
Molecular consequence: missense variant.
Genome position (GRCh38, 1-based): chr16:574,522, C>T. VCF-style: chr16-574522-C-T. GRCh37 (hg19) VCF-style: chr16-624522-C-T.
Other names: c.448C>T, p.Arg150Cys (NM_148920.4); short protein forms R150C.
Identifiers: ClinVar variation 1465735 (VCV001465735.5), dbSNP rs542951123, ClinGen allele CA7779871.